The following is an entry in ClinVar:

ClinVar aggregate classification (germline): Uncertain significance (1 of 4 stars; one submission).

gnomAD v4.1: 2 of 1,613,728 alleles (0.00012%); highest among the groups gnomAD compares: Middle Eastern, 0.017%; no homozygotes.

Submission:

Labcorp Genetics (formerly Invitae), Labcorp
Classification: Uncertain significance. Last evaluated: 2025-09-15. Review status: criteria provided, single submitter. Criteria: Invitae Variant Classification Sherloc (09022015). Collection method: clinical testing. Allele origin: germline.
Comment: This sequence change replaces valine, which is neutral and non-polar, with phenylalanine, which is neutral and non-polar, at codon 474 of the COL4A4 protein (p.Val474Phe). This variant is not present in population databases (gnomAD no frequency). This variant has not been reported in the literature in individuals affected with COL4A4-related conditions. Invitae Evidence Modeling of protein sequence and biophysical properties (such as structural, functional, and spatial information, amino acid conservation, physicochemical variation, residue mobility, and thermodynamic stability) indicates that this missense variant is not expected to disrupt COL4A4 protein function with a negative predictive value of 95%. In summary, the available evidence is currently insufficient to determine the role of this variant in disease. Therefore, it has been classified as a Variant of Uncertain Significance.

NM_000092.5(COL4A4):c.1420G>T (p.Val474Phe)

Gene: COL4A4 (collagen type IV alpha 4 chain; minus strand). Cytogenetic location: 2q36.3.
Variant type: single nucleotide variant.
Coding change: c.1420G>T on transcript NM_000092.5 (MANE Select); coding-DNA position 1420, G replaced by T.
Protein change: p.Val474Phe; replaces valine 474 with phenylalanine.
Molecular consequence: missense variant.
Genome position (GRCh38, 1-based): chr2:227,089,907, C>A on the plus strand (G>T on the coding strand, the complement: COL4A4 is on the minus strand). VCF-style: chr2-227089907-C-A. GRCh37 (hg19) VCF-style: chr2-227954623-C-A.
Other names: short protein forms V474F.
Identifiers: ClinVar variation 4695271 (VCV004695271.1).
Genomic context (GRCh38, chr2:227,089,907, plus strand): 5'-CTACCTTTGGTGCCTACTTGCCTTTTTCTCCTTTTGGGCCTCTTCCTCCTGGGGGACCAA[C>A]TTTGCCTTTTATTCCTTGTGGTCCGGGGTTCCCAACACTACAGTATATCACTGTCAAGGA-3'
Protein context (NP_000083.3, residues 464-484): NPGPQGIKGK[Val474Phe]GPPGGRGPKG